The following is an entry in ClinVar:

NM_001177693.2(ARHGEF28):c.3930G>A (p.Ala1310=)

Gene: ARHGEF28 (Rho guanine nucleotide exchange factor 28; plus strand). Cytogenetic location: 5q13.2.
Variant type: single nucleotide variant.
Coding change: c.3930G>A on transcript NM_001177693.2 (MANE Select); coding-DNA position 3930, G replaced by A.
Protein change: p.Ala1310=; no amino-acid change (alanine 1310 retained).
Molecular consequence: synonymous variant.
Genome position (GRCh38, 1-based): chr5:73,898,050, G>A. VCF-style: chr5-73898050-G-A. GRCh37 (hg19) VCF-style: chr5-73193875-G-A.
Other names: c.3930G>A, p.Ala1310= (NM_001080479.3, NM_001388078.1); c.2991G>A, p.Ala997= (NM_001244364.2); c.3636G>A, p.Ala1212= (NM_001388076.1).
Identifiers: ClinVar variation 3035175 (VCV003035175.2), dbSNP rs182047082, ClinGen allele CA3305202.

ClinVar aggregate classification (germline): Likely benign (0 of 4 stars; one submission).

Conditions:
ARHGEF28-related disorder. Also called: ARHGEF28-related condition.

Allele frequency attached by ClinVar (database versions not stated): gnomAD exomes 0.00002; ExAC 0.00010; gnomAD 0.00022; TOPMed 0.00025; 1000 Genomes Project 30x 0.00078; 1000 Genomes Project 0.00080.
gnomAD v4.1: 68 of 1,611,452 alleles (0.0042%); highest among the groups gnomAD compares: African/African-American, 0.037%; no homozygotes.

Submission:

PreventionGenetics, part of Exact Sciences
Classification: Likely benign for ARHGEF28-related condition. Last evaluated: 2023-04-11. Review status: no assertion criteria provided. Collection method: clinical testing. Allele origin: germline.
Comment: This variant is classified as likely benign based on ACMG/AMP sequence variant interpretation guidelines (Richards et al. 2015 PMID: 25741868, with internal and published modifications).